The following is an entry in ClinVar:

ClinVar aggregate classification (germline): Uncertain significance (1 of 4 stars; one submission).

Conditions:
Hereditary sensory and autonomic neuropathy type 6. Also called: HSAN VI; Neuropathy, hereditary sensory and autonomic, type VI. Identifiers: Orphanet 314381, MedGen C3539003, MONDO:0013839, OMIM 614653.
Epidermolysis bullosa simplex 3, localized or generalized intermediate, with BP230 deficiency (EBS3). Also called: Epidermolysis bullosa simplex due to BP230 deficiency; Epidermolysis bullosa simplex, autosomal recessive 2. Identifiers: Orphanet 412181, MedGen C3809470, MONDO:0014180, OMIM 615425.

Allele frequency attached by ClinVar (database versions not stated): TOPMed below 0.00001; ExAC 0.00001; gnomAD 0.00001; gnomAD exomes 0.00001.
gnomAD v4.1: 20 of 1,612,796 alleles (0.0012%); highest among the groups gnomAD compares: Admixed American, 0.0017%; no homozygotes.

Submission:

Labcorp Genetics (formerly Invitae), Labcorp
Classification: Uncertain significance for Epidermolysis bullosa simplex 3, localized or generalized intermediate, with BP230 deficiency; Hereditary sensory and autonomic neuropathy type 6. Last evaluated: 2023-04-05. Review status: criteria provided, single submitter. Criteria: Invitae Variant Classification Sherloc (09022015). Collection method: clinical testing. Allele origin: germline.
Comment: This variant is present in population databases (rs780128372, gnomAD 0.0009%). In summary, the available evidence is currently insufficient to determine the role of this variant in disease. Therefore, it has been classified as a Variant of Uncertain Significance. Experimental studies and prediction algorithms are not available or were not evaluated, and the effect of this variant on mRNA splicing is currently unknown. This variant has not been reported in the literature in individuals affected with DST-related conditions. This sequence change affects codon 1730 of the DST mRNA. It is a 'silent' change, meaning that it does not change the encoded amino acid sequence of the DST protein. The DST gene has multiple clinically relevant transcripts. This variant occurs in alternate transcript NM_015548.4, and corresponds to NM_001723.5:c.*41661C>T in the primary transcript.

NM_001374736.1(DST):c.13059C>T (p.Ser4353=)

Gene: DST (dystonin; minus strand). Cytogenetic location: 6p12.1.
Variant type: single nucleotide variant.
Coding change: c.13059C>T on transcript NM_001374736.1 (MANE Select); coding-DNA position 13059, C replaced by T.
Protein change: p.Ser4353=; no amino-acid change (serine 4353 retained).
Molecular consequence: synonymous variant.
Genome position (GRCh38, 1-based): chr6:56,573,856, G>A on the plus strand (C>T on the coding strand, the complement: DST is on the minus strand). VCF-style: chr6-56573856-G-A. GRCh37 (hg19) VCF-style: chr6-56438654-G-A.
Other names: c.6702C>T, p.Ser2234= (NM_001144769.5); c.6288C>T, p.Ser2096= (NM_001144770.2); c.13059C>T, p.Ser4353= (NM_001374722.1); c.12426C>T, p.Ser4142= (NM_001374729.1); c.6168C>T, p.Ser2056= (NM_001374730.1, NM_001386100.1, NM_183380.4); c.13086C>T, p.Ser4362= (NM_001374734.1); c.5190C>T, p.Ser1730= (NM_015548.5).
Identifiers: ClinVar variation 2417162 (VCV002417162.9), dbSNP rs780128372, ClinGen allele CA3868290.